The following is an entry in ClinVar:

ClinVar aggregate classification (germline): Uncertain significance (1 of 4 stars; one submission).

Allele frequency attached by ClinVar (database versions not stated): gnomAD 0.00001; gnomAD exomes 0.00001; TOPMed 0.00002.
gnomAD v4.1: 16 of 1,613,994 alleles (0.00099%); highest among the groups gnomAD compares: Non-Finnish European, 0.0014%; no homozygotes.

Submission:

Labcorp Genetics (formerly Invitae), Labcorp
Classification: Uncertain significance. Last evaluated: 2023-08-05. Review status: criteria provided, single submitter. Criteria: Invitae Variant Classification Sherloc (09022015). Collection method: clinical testing. Allele origin: germline.
Comment: In summary, the available evidence is currently insufficient to determine the role of this variant in disease. Therefore, it has been classified as a Variant of Uncertain Significance. An algorithm developed to predict the effect of missense changes on protein structure and function (PolyPhen-2) suggests that this variant is likely to be disruptive. This variant has not been reported in the literature in individuals affected with LAMB1-related conditions. This variant is present in population databases (no rsID available, gnomAD 0.0009%). This sequence change replaces proline, which is neutral and non-polar, with leucine, which is neutral and non-polar, at codon 1534 of the LAMB1 protein (p.Pro1534Leu).

NM_002291.3(LAMB1):c.4601C>T (p.Pro1534Leu)

Gene: LAMB1 (laminin subunit beta 1; minus strand). Cytogenetic location: 7q31.1.
Variant type: single nucleotide variant.
Coding change: c.4601C>T on transcript NM_002291.3 (MANE Select); coding-DNA position 4601, C replaced by T.
Protein change: p.Pro1534Leu; replaces proline 1534 with leucine.
Molecular consequence: missense variant.
Genome position (GRCh38, 1-based): chr7:107,929,556, G>A on the plus strand (C>T on the coding strand, the complement: LAMB1 is on the minus strand). VCF-style: chr7-107929556-G-A. GRCh37 (hg19) VCF-style: chr7-107570001-G-A.
Other names: short protein forms P1534L.
Identifiers: ClinVar variation 2975129 (VCV002975129.3), dbSNP rs911549194, ClinGen allele CA164267576.